The following is an entry in ClinVar:

NM_016239.4(MYO15A):c.6995C>A (p.Ser2332Tyr)

Gene: MYO15A (myosin XVA; plus strand). Cytogenetic location: 17p11.2.
Variant type: single nucleotide variant.
Coding change: c.6995C>A on transcript NM_016239.4 (MANE Select); coding-DNA position 6995, C replaced by A.
Protein change: p.Ser2332Tyr; replaces serine 2332 with tyrosine.
Molecular consequence: missense variant.
Genome position (GRCh38, 1-based): chr17:18,149,254, C>A. VCF-style: chr17-18149254-C-A. GRCh37 (hg19) VCF-style: chr17-18052568-C-A.
Other names: short protein forms S2332Y.
Identifiers: ClinVar variation 1479248 (VCV001479248.3), dbSNP rs2142364188, ClinGen allele CA398613929.

ClinVar aggregate classification (germline): Uncertain significance (1 of 4 stars; one submission).

gnomAD v4.1: 5 of 1,614,008 alleles (0.00031%); highest among the groups gnomAD compares: Non-Finnish European, 0.00017%; no homozygotes.

Submission:

Labcorp Genetics (formerly Invitae), Labcorp
Classification: Uncertain significance. Last evaluated: 2021-11-09. Review status: criteria provided, single submitter. Criteria: Invitae Variant Classification Sherloc (09022015). Collection method: clinical testing. Allele origin: germline.
Comment: This sequence change replaces serine, which is neutral and polar, with tyrosine, which is neutral and polar, at codon 2332 of the MYO15A protein (p.Ser2332Tyr). This variant is not present in population databases (gnomAD no frequency). This variant has not been reported in the literature in individuals affected with MYO15A-related conditions. Advanced modeling of protein sequence and biophysical properties (such as structural, functional, and spatial information, amino acid conservation, physicochemical variation, residue mobility, and thermodynamic stability) performed at Invitae indicates that this missense variant is not expected to disrupt MYO15A protein function. In summary, the available evidence is currently insufficient to determine the role of this variant in disease. Therefore, it has been classified as a Variant of Uncertain Significance.